The following is an entry in ClinVar:

NM_000038.6(APC):c.5314C>T (p.Pro1772Ser)

Gene: APC (APC regulator of Wnt signaling pathway; plus strand). Cytogenetic location: 5q22.2.
Variant type: single nucleotide variant.
Coding change: c.5314C>T on transcript NM_000038.6 (MANE Select); coding-DNA position 5314, C replaced by T.
Protein change: p.Pro1772Ser; replaces proline 1772 with serine.
Molecular consequence: missense variant.
Genome position (GRCh38, 1-based): chr5:112,840,908, C>T. VCF-style: chr5-112840908-C-T. GRCh37 (hg19) VCF-style: chr5-112176605-C-T.
Other names: c.5314C>T, p.Pro1772Ser (NM_001127510.3, NM_001354895.2); c.5260C>T, p.Pro1754Ser (NM_001127511.3); c.5368C>T, p.Pro1790Ser (NM_001354896.2); c.5344C>T, p.Pro1782Ser (NM_001354897.2); c.5239C>T, p.Pro1747Ser (NM_001354898.2); c.5230C>T, p.Pro1744Ser (NM_001354899.2); c.5191C>T, p.Pro1731Ser (NM_001354900.2); c.5137C>T, p.Pro1713Ser (NM_001354901.2); and 5 more; short protein forms P1754S, P1772S, P1612S, P1731S, P1744S, P1782S, P1790S, P1671S.
Identifiers: ClinVar variation 482434 (VCV000482434.16), dbSNP rs1554086631, ClinGen allele CA16032953.

ClinVar aggregate classification (germline): Uncertain significance. Review status: criteria provided, multiple submitters, no conflicts (2 of 4 stars). 2 submissions from 2 submitters: Uncertain significance (2). Last evaluated 2024-07-12.

Conditions:
Hereditary cancer-predisposing syndrome. Also called: Neoplastic Syndromes, Hereditary; Tumor predisposition; Hereditary Cancer Syndrome; Hereditary neoplastic syndrome. Identifiers: Orphanet 140162, MedGen C0027672, MeSH D009386, MONDO:0015356.
Familial adenomatous polyposis 1 (FAP1). Also called: FAMILIAL ADENOMATOUS POLYPOSIS 1, ATTENUATED; POLYPOSIS, ADENOMATOUS INTESTINAL. Identifiers: MedGen C2713442, MONDO:0021056, OMIM 175100. Disease mechanism: loss of function.

Allele frequency attached by ClinVar (database versions not stated): TOPMed below 0.00001.

Submissions (2):

Labcorp Genetics (formerly Invitae), Labcorp
Classification: Uncertain significance for Familial adenomatous polyposis 1. Last evaluated: 2024-07-12. Review status: criteria provided, single submitter. Criteria: Invitae Variant Classification Sherloc (09022015). Collection method: clinical testing. Allele origin: germline.
Comment: This sequence change replaces proline, which is neutral and non-polar, with serine, which is neutral and polar, at codon 1772 of the APC protein (p.Pro1772Ser). This variant is not present in population databases (gnomAD no frequency). This variant has not been reported in the literature in individuals affected with APC-related conditions. ClinVar contains an entry for this variant (Variation ID: 482434). Advanced modeling of protein sequence and biophysical properties (such as structural, functional, and spatial information, amino acid conservation, physicochemical variation, residue mobility, and thermodynamic stability) performed at Invitae indicates that this missense variant is not expected to disrupt APC protein function with a negative predictive value of 95%. In summary, the available evidence is currently insufficient to determine the role of this variant in disease. Therefore, it has been classified as a Variant of Uncertain Significance.

Ambry Genetics
Classification: Uncertain significance for Hereditary cancer-predisposing syndrome. Last evaluated: 2016-12-28. Review status: criteria provided, single submitter. Criteria: Ambry Variant Classification Scheme 2023. Collection method: clinical testing. Allele origin: germline.
Comment: The p.P1772S variant (also known as c.5314C>T), located in coding exon 15 of the APC gene, results from a C to T substitution at nucleotide position 5314. The proline at codon 1772 is replaced by serine, an amino acid with similar properties. This amino acid position is highly conserved in available vertebrate species. In addition, in silico predictors for this gene do not accurately predict pathogenicity. Since supporting evidence is limited at this time, the clinical significance of this alteration remains unclear.